The following is an entry in ClinVar:

NM_024529.5(CDC73):c.1154+4del

Gene: CDC73 (cell division cycle 73; plus strand). Cytogenetic location: 1q31.2.
Variant type: Deletion.
Coding change: c.1154+4del on transcript NM_024529.5 (MANE Select); 4 bases into the intron after coding-DNA position 1154, one base deleted (A; older notation c.1154+4delA).
Molecular consequence: intron variant.
Genome position (GRCh38, 1-based): chr1:193,212,481, A deleted; the last of 2 consecutive A bases (chr1:193,212,480-193,212,481); deleting either gives the same sequence. VCF-style (leftmost placement, unchanged base first): chr1-193212479-TA-T. GRCh37 (hg19) VCF-style: chr1-193181609-TA-T.
Identifiers: ClinVar variation 4722831 (VCV004722831.1).

ClinVar aggregate classification (germline): Uncertain significance (1 of 4 stars; one submission).

Conditions:
Parathyroid carcinoma (PRTC). Also called: Parathyroid gland carcinoma; CDC73-Related Parathyroid Carcinoma. Identifiers: Orphanet 143, MedGen C0687150, MONDO:0012004, OMIM 608266, HP:0006780.

Submission:

Labcorp Genetics (formerly Invitae), Labcorp
Classification: Uncertain significance for Parathyroid carcinoma. Last evaluated: 2025-07-08. Review status: criteria provided, single submitter. Criteria: Invitae Variant Classification Sherloc (09022015). Collection method: clinical testing. Allele origin: germline.
Comment: This sequence change falls in intron 13 of the CDC73 gene. It does not directly change the encoded amino acid sequence of the CDC73 protein. It affects a nucleotide within the consensus splice site. This variant is not present in population databases (gnomAD no frequency). This variant has not been reported in the literature in individuals affected with CDC73-related conditions. Variants that disrupt the consensus splice site are a relatively common cause of aberrant splicing (PMID: 17576681, 9536098). Algorithms developed to predict the effect of sequence changes on RNA splicing suggest that this variant may disrupt the consensus splice site. In summary, the available evidence is currently insufficient to determine the role of this variant in disease. Therefore, it has been classified as a Variant of Uncertain Significance.

Literature cited by the submitters: PubMed 17576681; PubMed 9536098.